The following is an entry in ClinVar:

ClinVar aggregate classification (germline): Benign (0 of 4 stars; one submission).

Conditions:
UVSSA-related disorder. Also called: UVSSA-related condition.

Allele frequency attached by ClinVar (database versions not stated): 1000 Genomes Project 0.02656; 1000 Genomes Project 30x 0.02811; TOPMed 0.03623; gnomAD 0.03630; ESP Exome Variant Server 0.03938; ExAC 0.04211; gnomAD exomes 0.05028.
gnomAD v4.1: 78,867 of 1,613,042 alleles (4.9%); highest among the groups gnomAD compares: Middle Eastern, 7.2%; 2,230 homozygotes.

Submission:

PreventionGenetics, part of Exact Sciences
Classification: Benign for UVSSA-related condition. Last evaluated: 2019-03-15. Review status: no assertion criteria provided. Collection method: clinical testing. Allele origin: germline.
Comment: This variant is classified as benign based on ACMG/AMP sequence variant interpretation guidelines (Richards et al. 2015 PMID: 25741868, with internal and published modifications).

NM_020894.4(UVSSA):c.636G>A (p.Pro212=)

Gene: UVSSA (UV stimulated scaffold protein A; plus strand). Cytogenetic location: 4p16.3.
Variant type: single nucleotide variant.
Coding change: c.636G>A on transcript NM_020894.4 (MANE Select); coding-DNA position 636, G replaced by A.
Protein change: p.Pro212=; no amino-acid change (proline 212 retained).
Molecular consequence: synonymous variant.
Genome position (GRCh38, 1-based): chr4:1,353,115, G>A. VCF-style: chr4-1353115-G-A. GRCh37 (hg19) VCF-style: chr4-1346903-G-A.
Other names: c.636G>A, p.Pro212= (NM_001317934.2, NM_001317935.2).
Identifiers: ClinVar variation 3055793 (VCV003055793.2), dbSNP rs77892061, ClinGen allele CA2805716.